The following is an entry in ClinVar:

ClinVar aggregate classification (germline): Likely benign. Review status: criteria provided, multiple submitters, no conflicts (2 of 4 stars). 4 submissions from 4 submitters: Likely benign (4). Last evaluated 2026-01-15.

Conditions:
Dilated cardiomyopathy 1G (CMD1G). Identifiers: Orphanet 154, MedGen C1858763, MONDO:0011400, OMIM 604145.
Autosomal recessive limb-girdle muscular dystrophy type 2J (LGMDR10). Also called: Limb-girdle muscular dystrophy, type 2J; MUSCULAR DYSTROPHY, LIMB-GIRDLE, AUTOSOMAL RECESSIVE 10. Identifiers: Orphanet 140922, MedGen C1837342, MONDO:0012127, OMIM 608807.
Cardiovascular phenotype. Identifiers: MedGen CN230736.
TTN-related disorder. Also called: TTN-related disorders; TTN-related condition; TTN-related disease.

Allele frequency attached by ClinVar (database versions not stated): gnomAD exomes below 0.00001 and 0.00001; ExAC 0.00001; gnomAD 0.00005 and 0.00006; TOPMed 0.00006.
gnomAD v4.1: 13 of 1,612,440 alleles (0.00081%); highest among the groups gnomAD compares: African/African-American, 0.016%; no homozygotes.

Submissions (4):

PreventionGenetics, part of Exact Sciences
Classification: Likely benign for TTN-related condition. Last evaluated: 2026-01-15. Review status: criteria provided, single submitter. Criteria: ACMG Guidelines, 2015. Collection method: clinical testing. Allele origin: germline.
Comment: This variant is classified as likely benign based on ACMG/AMP sequence variant interpretation guidelines (Richards et al. 2015 PMID: 25741868, with internal and published modifications).

Labcorp Genetics (formerly Invitae), Labcorp
Classification: Likely benign for Dilated cardiomyopathy 1G; Autosomal recessive limb-girdle muscular dystrophy type 2J. Last evaluated: 2025-12-08. Review status: criteria provided, single submitter. Criteria: Invitae Variant Classification Sherloc (09022015). Collection method: clinical testing. Allele origin: germline.

Blueprint Genetics
Classification: Likely benign. Last evaluated: 2023-06-12. Review status: criteria provided, single submitter. Criteria: ACMG Guidelines, 2015. Collection method: clinical testing. Allele origin: germline.

Ambry Genetics
Classification: Likely benign for Cardiovascular phenotype. Last evaluated: 2019-04-12. Review status: criteria provided, single submitter. Criteria: Ambry Variant Classification Scheme 2023. Collection method: clinical testing. Allele origin: germline.

NM_001267550.2(TTN):c.52188T>C (p.Asp17396=)

Genes: TTN (titin; minus strand), TTN-AS1 (TTN antisense RNA 1; plus strand). Cytogenetic location: 2q31.2.
Variant type: single nucleotide variant.
Coding change: c.52188T>C on transcript NM_001267550.2 (MANE Select); coding-DNA position 52188, T replaced by C.
Protein change: p.Asp17396=; no amino-acid change (aspartic acid 17396 retained).
Molecular consequence: synonymous variant.
Genome position (GRCh38, 1-based): chr2:178,608,823, A>G on the plus strand (T>C on the coding strand, the complement: TTN is on the minus strand). VCF-style: chr2-178608823-A-G. GRCh37 (hg19) VCF-style: chr2-179473550-A-G.
Other names: c.47265T>C, p.Asp15755= (NM_001256850.1); c.24993T>C, p.Asp8331= (NM_003319.4); c.44484T>C, p.Asp14828= (NM_133378.4); c.25368T>C, p.Asp8456= (NM_133432.3); c.25569T>C, p.Asp8523= (NM_133437.4).
Identifiers: ClinVar variation 1092311 (VCV001092311.13), dbSNP rs757796723, ClinGen allele CA1994036.